The following is an entry in ClinVar:

NM_012448.4(STAT5B):c.2348C>T (p.Pro783Leu)

Gene: STAT5B (signal transducer and activator of transcription 5B; minus strand). Cytogenetic location: 17q21.2.
Variant type: single nucleotide variant.
Coding change: c.2348C>T on transcript NM_012448.4 (MANE Select); coding-DNA position 2348, C replaced by T.
Protein change: p.Pro783Leu; replaces proline 783 with leucine.
Molecular consequence: missense variant.
Genome position (GRCh38, 1-based): chr17:42,201,754, G>A on the plus strand (C>T on the coding strand, the complement: STAT5B is on the minus strand). VCF-style: chr17-42201754-G-A. GRCh37 (hg19) VCF-style: chr17-40353772-G-A.
Other names: short protein forms P783L.
Identifiers: ClinVar variation 848018 (VCV000848018.10), dbSNP rs752309096, ClinGen allele CA290729535.

ClinVar aggregate classification (germline): Uncertain significance (1 of 4 stars; one submission).

Conditions:
Growth hormone insensitivity with immune dysregulation 1, autosomal recessive. Also called: Laron syndrome with immunodeficiency; GROWTH HORMONE INSENSITIVITY DUE TO POSTRECEPTOR DEFECT; LARON SYNDROME DUE TO POSTRECEPTOR DEFECT; GROWTH HORMONE INSENSITIVITY SYNDROME WITH IMMUNE DYSREGULATION 1, AUTOSOMAL RECESSIVE. Identifiers: Orphanet 220465, MedGen C5435698, MONDO:0100211, OMIM 245590.

Allele frequency attached by ClinVar (database versions not stated): gnomAD exomes below 0.00001; gnomAD 0.00001.
gnomAD v4.1: 8 of 1,610,150 alleles (0.0005%); highest among the groups gnomAD compares: Admixed American, 0.0017%; no homozygotes.

Submission:

Labcorp Genetics (formerly Invitae), Labcorp
Classification: Uncertain significance for Growth hormone insensitivity with immune dysregulation 1, autosomal recessive. Last evaluated: 2025-02-18. Review status: criteria provided, single submitter. Criteria: Invitae Variant Classification Sherloc (09022015). Collection method: clinical testing. Allele origin: germline.
Comment: This sequence change replaces proline, which is neutral and non-polar, with leucine, which is neutral and non-polar, at codon 783 of the STAT5B protein (p.Pro783Leu). This variant is present in population databases (rs752309096, gnomAD 0.01%). This variant has not been reported in the literature in individuals affected with STAT5B-related conditions. ClinVar contains an entry for this variant (Variation ID: 848018). An algorithm developed to predict the effect of missense changes on protein structure and function (PolyPhen-2) suggests that this variant is likely to be disruptive. In summary, the available evidence is currently insufficient to determine the role of this variant in disease. Therefore, it has been classified as a Variant of Uncertain Significance.